The following is an entry in ClinVar:

NM_001035.3(RYR2):c.7546C>T (p.Leu2516Phe)

Gene: RYR2 (ryanodine receptor 2; plus strand). Cytogenetic location: 1q43.
Variant type: single nucleotide variant.
Coding change: c.7546C>T on transcript NM_001035.3 (MANE Select); coding-DNA position 7546, C replaced by T.
Protein change: p.Leu2516Phe; replaces leucine 2516 with phenylalanine.
Molecular consequence: missense variant.
Genome position (GRCh38, 1-based): chr1:237,649,910, C>T. VCF-style: chr1-237649910-C-T. GRCh37 (hg19) VCF-style: chr1-237813210-C-T.
Other names: c.7546C>T, p.Leu2516Phe (LRG_402t1); short protein forms L2516F.
Identifiers: ClinVar variation 633401 (VCV000633401.8), dbSNP rs775400701, ClinGen allele CA087424.

ClinVar aggregate classification (germline): Uncertain significance. Review status: criteria provided, multiple submitters, no conflicts (2 of 4 stars). 2 submissions from 2 submitters: Uncertain significance (2). Last evaluated 2024-07-31.

Conditions:
Catecholaminergic polymorphic ventricular tachycardia 1. Also called: RYR2-Related Catecholaminergic Polymorphic Ventricular Tachycardia; VENTRICULAR TACHYCARDIA, CATECHOLAMINERGIC POLYMORPHIC, 1, WITH OR WITHOUT ATRIAL DYSFUNCTION AND/OR DILATED CARDIOMYOPATHY; VENTRICULAR TACHYCARDIA, STRESS-INDUCED POLYMORPHIC 1. Identifiers: Orphanet 3286, MedGen C1631597, MONDO:0011484, OMIM 604772.

Allele frequency attached by ClinVar (database versions not stated): gnomAD exomes below 0.00001 and 0.00001; TOPMed below 0.00001; ExAC 0.00001.
gnomAD v4.1: 7 of 1,613,930 alleles (0.00043%); highest among the groups gnomAD compares: South Asian, 0.0077%; no homozygotes.

Submissions (2):

Labcorp Genetics (formerly Invitae), Labcorp
Classification: Uncertain significance for Catecholaminergic polymorphic ventricular tachycardia 1. Last evaluated: 2024-07-31. Review status: criteria provided, single submitter. Criteria: Invitae Variant Classification Sherloc (09022015). Collection method: clinical testing. Allele origin: germline.
Comment: This sequence change replaces leucine, which is neutral and non-polar, with phenylalanine, which is neutral and non-polar, at codon 2516 of the RYR2 protein (p.Leu2516Phe). This variant is present in population databases (rs775400701, gnomAD 0.003%). This variant has not been reported in the literature in individuals affected with RYR2-related conditions. ClinVar contains an entry for this variant (Variation ID: 633401). Advanced modeling of protein sequence and biophysical properties (such as structural, functional, and spatial information, amino acid conservation, physicochemical variation, residue mobility, and thermodynamic stability) performed at Invitae indicates that this missense variant is expected to disrupt RYR2 protein function with a positive predictive value of 80%. In summary, the available evidence is currently insufficient to determine the role of this variant in disease. Therefore, it has been classified as a Variant of Uncertain Significance.

Women's Health and Genetics/Laboratory Corporation of America, LabCorp
Classification: Uncertain significance. Last evaluated: 2017-11-06. Review status: criteria provided, single submitter. Criteria: LabCorp Variant Classification Summary - May 2015. Collection method: clinical testing. Allele origin: germline.
Comment: Variant summary: The RYR2 c.7546C>T (p.Leu2516Phe) variant involves the alteration of a conserved nucleotide. 3/4 in silico tools predict a damaging outcome for this variant (SNPsandGO not captured due to low reliability index). This variant was found in 1/246178 control chromosomes at a frequency of 0.0000041, which does not exceed the estimated maximal expected allele frequency of a pathogenic RYR2 variant (0.000055). The variant of interest has not, to our knowledge, been reported in affected individuals via publications and/or reputable databases/clinical diagnostic laboratories; nor evaluated for functional impact by in vivo/vitro studies. Because of the absence of clinical information and the lack of functional studies, the variant is classified as a variant of uncertain significance (VUS) until additional information becomes available.